The following is an entry in ClinVar:

ClinVar aggregate classification (germline): Uncertain significance. Review status: criteria provided, multiple submitters, no conflicts (2 of 4 stars). 2 submissions from 2 submitters: Uncertain significance (2). Last evaluated 2021-09-29.

Conditions:
Hereditary cancer-predisposing syndrome. Also called: Neoplastic Syndromes, Hereditary; Hereditary neoplastic syndrome; Hereditary Cancer Syndrome; Tumor predisposition. Identifiers: Orphanet 140162, MedGen C0027672, MeSH D009386, MONDO:0015356.
Gastrointestinal stromal tumor. Also called: Gastrointestinal stromal tumor, somatic; Gastrointestinal stroma tumor. Identifiers: Orphanet 44890, MedGen C0238198, MeSH D046152, MONDO:0011719, OMIM 606764, HP:0100723.

Submissions (2):

Ambry Genetics
Classification: Uncertain significance for Hereditary cancer-predisposing syndrome. Last evaluated: 2021-09-29. Review status: criteria provided, single submitter. Criteria: Ambry Variant Classification Scheme 2023. Collection method: clinical testing. Allele origin: germline.
Comment: The p.A127G variant (also known as c.380C>G), located in coding exon 3 of the PDGFRA gene, results from a C to G substitution at nucleotide position 380. The alanine at codon 127 is replaced by glycine, an amino acid with similar properties. This amino acid position is conserved. In addition, this alteration is predicted to be tolerated by in silico analysis. Since supporting evidence is limited at this time, the clinical significance of this alteration remains unclear.

Labcorp Genetics (formerly Invitae), Labcorp
Classification: Uncertain significance for Gastrointestinal stromal tumor. Last evaluated: 2016-02-15. Review status: criteria provided, single submitter. Criteria: Invitae Variant Classification Sherloc (09022015). Collection method: clinical testing. Allele origin: germline.
Comment: In summary, this is a novel missense change with uncertain impact on protein function. It has been classified as a Variant of Uncertain Significance. Algorithms developed to predict the effect of missense changes on protein structure and function do not agree on the potential impact of this missense change (SIFT: "Deleterious"; PolyPhen-2: "Benign"; Align-GVGD: "Class C55"). This variant is not present in population databases (ExAC no frequency) and has not been reported in the literature in individuals with a PDGFRA-related disease. This sequence change replaces alanine with glycine at codon 127 of the PDGFRA protein (p.Ala127Gly). The alanine residue is highly conserved and there is a small physicochemical difference between alanine and glycine.

NM_006206.6(PDGFRA):c.380C>G (p.Ala127Gly)

Gene: PDGFRA (platelet derived growth factor receptor alpha; plus strand). Cytogenetic location: 4q12.
Variant type: single nucleotide variant.
Coding change: c.380C>G on transcript NM_006206.6 (MANE Select); coding-DNA position 380, C replaced by G.
Protein change: p.Ala127Gly; replaces alanine 127 with glycine.
Molecular consequence: missense variant.
Genome position (GRCh38, 1-based): chr4:54,263,679, C>G. VCF-style: chr4-54263679-C-G. GRCh37 (hg19) VCF-style: chr4-55129846-C-G.
Other names: c.380C>G, p.Ala127Gly (NM_001347827.2, NM_001347829.2); c.455C>G, p.Ala152Gly (NM_001347828.2); c.419C>G, p.Ala140Gly (NM_001347830.2); short protein forms A127G, A140G, A152G.
Identifiers: ClinVar variation 240349 (VCV000240349.11), dbSNP rs759705682, ClinGen allele CA10582230.